The following is an entry in ClinVar:

ClinVar aggregate classification (germline): Uncertain significance (1 of 4 stars; one submission).

Conditions:
Long QT syndrome (LQTS). Identifiers: MedGen C0023976, MeSH D008133, MONDO:0002442. Disease mechanism: loss of function. Inheritance: Various modes of inheritance.

Submission:

Labcorp Genetics (formerly Invitae), Labcorp
Classification: Uncertain significance for Long QT syndrome. Last evaluated: 2024-03-24. Review status: criteria provided, single submitter. Criteria: Invitae Variant Classification Sherloc (09022015). Collection method: clinical testing. Allele origin: germline.
Comment: This sequence change replaces glycine, which is neutral and non-polar, with serine, which is neutral and polar, at codon 1211 of the AKAP9 protein (p.Gly1211Ser). This variant is not present in population databases (gnomAD no frequency). This variant has not been reported in the literature in individuals affected with AKAP9-related conditions. Algorithms developed to predict the effect of missense changes on protein structure and function output the following: SIFT: "Not Available"; PolyPhen-2: "Benign"; Align-GVGD: "Not Available". The serine amino acid residue is found in multiple mammalian species, which suggests that this missense change does not adversely affect protein function. In summary, the available evidence is currently insufficient to determine the role of this variant in disease. Therefore, it has been classified as a Variant of Uncertain Significance.

NM_005751.5(AKAP9):c.3631G>A (p.Gly1211Ser)

Gene: AKAP9 (A-kinase anchoring protein 9; plus strand). Cytogenetic location: 7q21.2.
Variant type: single nucleotide variant.
Coding change: c.3631G>A on transcript NM_005751.5 (MANE Select); coding-DNA position 3631, G replaced by A.
Protein change: p.Gly1211Ser; replaces glycine 1211 with serine.
Molecular consequence: missense variant.
Genome position (GRCh38, 1-based): chr7:92,016,147, G>A. VCF-style: chr7-92016147-G-A. GRCh37 (hg19) VCF-style: chr7-91645461-G-A.
Other names: c.3631G>A, p.Gly1211Ser (NM_147185.3); short protein forms G1211S.
Identifiers: ClinVar variation 3647395 (VCV003647395.2).
Genomic context (GRCh38, chr7:92,016,147, plus strand): 5'-AAAATTTAAATTCCTTAAAATACACAATTTTGTTGTTAACAGACTTTATGCAGTGTCCTT[G>A]GTGAATATTATACTCCTGCTTTAAAATGTGAAGTAAATGCAGAAGACAAAGAGAATTCTG-3'
Protein context (NP_005742.4, residues 1201-1221): YFLQTLCSVL[Gly1211Ser]EYYTPALKCE